The following is an entry in ClinVar:

NM_000138.5(FBN1):c.5594G>C (p.Cys1865Ser)

Gene: FBN1 (fibrillin 1; minus strand). Cytogenetic location: 15q21.1.
Variant type: single nucleotide variant.
Coding change: c.5594G>C on transcript NM_000138.5 (MANE Select); coding-DNA position 5594, G replaced by C.
Protein change: p.Cys1865Ser; replaces cysteine 1865 with serine.
Molecular consequence: missense variant.
Genome position (GRCh38, 1-based): chr15:48,448,845, C>G on the plus strand (G>C on the coding strand, the complement: FBN1 is on the minus strand). VCF-style: chr15-48448845-C-G. GRCh37 (hg19) VCF-style: chr15-48741042-C-G.
Other names: short protein forms C1865S.
Identifiers: ClinVar variation 1321449 (VCV001321449.1), dbSNP rs2141252190, ClinGen allele CA392342088.
Genomic context (GRCh38, chr15:48,448,845, plus strand): 5'-TCATCATTTGTTTTAAAACCAGTGTGGCAAAGGCAATAAAAGCTTCCAACTGTGTCAATG[C>G]ACTGCCCATGACTGCATATATTGGGGATTTCTTGACATTCATTACGATCTGTAAATAAGA-3'
Protein context (NP_000129.3, residues 1855-1875): EIPNICSHGQ[Cys1865Ser]IDTVGSFYCL

ClinVar aggregate classification (germline): Uncertain significance (1 of 4 stars; one submission).

Submission:

Women's Health and Genetics/Laboratory Corporation of America, LabCorp
Classification: Uncertain significance. Last evaluated: 2021-10-04. Review status: criteria provided, single submitter. Criteria: LabCorp Variant Classification Summary - May 2015. Collection method: clinical testing. Allele origin: germline.
Comment: Variant summary: FBN1 c.5594G>C (p.Cys1865Ser) results in a non-conservative amino acid change located in the EGF like calcium binding domain (IPR001881) of the encoded protein sequence. Five of five in-silico tools predict a damaging effect of the variant on protein function. "The sulfhydryl group of cysteine is unique in its ability to participate in disulfide covalent cross-linkage. In fact, two-thirds of fibrillin cysteine residues exist in the half-cystinyl form, suggesting their participation in intramolecular disulfide linkage (Dietz_1992)". Therefore, the substitution of a cysteine may disrupt the structure of the FBN1 protein, affecting its function. The variant was absent in 250906 control chromosomes. The available data on variant occurrences in the general population are insufficient to allow any conclusion about variant significance. To our knowledge, no occurrence of c.5594G>C in individuals affected with Marfan Syndrome and no experimental evidence demonstrating its impact on protein function have been reported. No clinical diagnostic laboratories have submitted clinical-significance assessments for this variant to ClinVar after 2014. Based on the evidence outlined above, the variant was classified as VUS - possibly pathogenic.